The following is an entry in ClinVar:

ClinVar aggregate classification (germline): Uncertain significance. Review status: criteria provided, multiple submitters, no conflicts (2 of 4 stars). 2 submissions from 2 submitters: Uncertain significance (2). Last evaluated 2026-03-25.

Conditions:
GLIS2-related disorder. Also called: GLIS2-related condition.

gnomAD v4.1: 10 of 1,548,450 alleles (0.00065%); highest among the groups gnomAD compares: East Asian, 0.024%; no homozygotes.

Submissions (2):

PreventionGenetics, part of Exact Sciences
Classification: Uncertain significance for GLIS2-related condition. Last evaluated: 2026-03-25. Review status: criteria provided, single submitter. Criteria: ACMG Guidelines, 2015. Collection method: clinical testing. Allele origin: germline.
Comment: The GLIS2 c.1309G>C variant is predicted to result in the amino acid substitution p.Ala437Pro. To our knowledge, this variant has not been reported in the literature. This variant is reported in 0.056% of alleles in individuals of East Asian descent in gnomAD, which may be too common for an undocumented primary cause of disease. Although we suspect that this variant may be benign, the clinical significance of this variant is uncertain at this time due to the absence of conclusive functional and genetic evidence.

Ambry Genetics
Classification: Uncertain significance. Last evaluated: 2023-12-17. Review status: criteria provided, single submitter. Criteria: Ambry Variant Classification Scheme 2023. Collection method: clinical testing. Allele origin: germline.

NM_032575.3(GLIS2):c.1309G>C (p.Ala437Pro)

Gene: GLIS2 (GLIS family zinc finger 2; plus strand). Cytogenetic location: 16p13.3.
Variant type: single nucleotide variant.
Coding change: c.1309G>C on transcript NM_032575.3 (MANE Select); coding-DNA position 1309, G replaced by C.
Protein change: p.Ala437Pro; replaces alanine 437 with proline.
Molecular consequence: missense variant.
Genome position (GRCh38, 1-based): chr16:4,337,258, G>C. VCF-style: chr16-4337258-G-C. GRCh37 (hg19) VCF-style: chr16-4387259-G-C.
Other names: c.1309G>C, p.Ala437Pro (NM_001318918.2); short protein forms A437P.
Identifiers: ClinVar variation 3029854 (VCV003029854.4), dbSNP rs554958933, ClinGen allele CA394600389.